The following is an entry in ClinVar:

NM_147127.5(EVC2):c.1952C>G (p.Ser651Ter)

Gene: EVC2 (EvC ciliary complex subunit 2; minus strand). Cytogenetic location: 4p16.2.
Variant type: single nucleotide variant.
Coding change: c.1952C>G on transcript NM_147127.5 (MANE Select); coding-DNA position 1952, C replaced by G.
Protein change: p.Ser651Ter; replaces serine 651 with a stop codon.
Molecular consequence: nonsense.
Genome position (GRCh38, 1-based): chr4:5,625,843, G>C on the plus strand (C>G on the coding strand, the complement: EVC2 is on the minus strand). VCF-style: chr4-5625843-G-C. GRCh37 (hg19) VCF-style: chr4-5627570-G-C.
Other names: c.1712C>G, p.Ser571Ter (NM_001166136.2); short protein forms S571*, S651*.
Identifiers: ClinVar variation 5011477 (VCV005011477.1).

ClinVar aggregate classification (germline): Pathogenic (1 of 4 stars; one submission).

Conditions:
Ellis-van Creveld syndrome (EVC). Also called: MESOECTODERMAL DYSPLASIA; Chondroectodermal dysplasia. Identifiers: Orphanet 289, MedGen C0013903, MONDO:0009162, OMIM 225500.

Submission:

Myriad Genetics, Inc.
Classification: Pathogenic for Ellis-van Creveld syndrome. Last evaluated: 2023-08-25. Review status: criteria provided, single submitter. Criteria: Myriad Autosomal Dominant, Autosomal Recessive and X-Linked Classification Criteria (2023). Collection method: clinical testing. Allele origin: unknown.
Comment: NM_147127.4(EVC2):c.1952C>G(S651*) is expected to be pathogenic in the context of EVC2-related Ellis-van Creveld syndrome. This variant is predicted to lead to an abnormal or absent protein product due to the creation of a premature termination codon in EVC2, a gene where loss-of-function variants are known to be pathogenic. Please note: this variant was assessed in the context of healthy population screening.